The following is an entry in ClinVar:

NM_004963.4(GUCY2C):c.2213T>C (p.Phe738Ser)

Gene: GUCY2C (guanylate cyclase 2C; minus strand). Cytogenetic location: 12p12.3.
Variant type: single nucleotide variant.
Coding change: c.2213T>C on transcript NM_004963.4 (MANE Select); coding-DNA position 2213, T replaced by C.
Protein change: p.Phe738Ser; replaces phenylalanine 738 with serine.
Molecular consequence: missense variant.
Genome position (GRCh38, 1-based): chr12:14,628,682, A>G on the plus strand (T>C on the coding strand, the complement: GUCY2C is on the minus strand). VCF-style: chr12-14628682-A-G. GRCh37 (hg19) VCF-style: chr12-14781616-A-G.
Other names: short protein forms F738S.
Identifiers: ClinVar variation 2012678 (VCV002012678.4), dbSNP rs1231858784, ClinGen allele CA383998609.

ClinVar aggregate classification (germline): Uncertain significance (1 of 4 stars; one submission).

Allele frequency attached by ClinVar (database versions not stated): TOPMed 0.00001.

Submission:

Labcorp Genetics (formerly Invitae), Labcorp
Classification: Uncertain significance. Last evaluated: 2022-07-01. Review status: criteria provided, single submitter. Criteria: Invitae Variant Classification Sherloc (09022015). Collection method: clinical testing. Allele origin: germline.
Comment: This variant has not been reported in the literature in individuals affected with GUCY2C-related conditions. This variant is not present in population databases (gnomAD no frequency). This sequence change replaces phenylalanine, which is neutral and non-polar, with serine, which is neutral and polar, at codon 738 of the GUCY2C protein (p.Phe738Ser). Algorithms developed to predict the effect of missense changes on protein structure and function are either unavailable or do not agree on the potential impact of this missense change (SIFT: "Deleterious"; PolyPhen-2: "Possibly Damaging"; Align-GVGD: "Class C0"). In summary, the available evidence is currently insufficient to determine the role of this variant in disease. Therefore, it has been classified as a Variant of Uncertain Significance.